The following is an entry in ClinVar:

NM_014159.7(SETD2):c.3681T>G (p.Asp1227Glu)

Gene: SETD2 (SET domain containing 2, histone lysine methyltransferase; minus strand). Cytogenetic location: 3p21.31.
Variant type: single nucleotide variant.
Coding change: c.3681T>G on transcript NM_014159.7 (MANE Select); coding-DNA position 3681, T replaced by G.
Protein change: p.Asp1227Glu; replaces aspartic acid 1227 with glutamic acid.
Molecular consequence: missense variant. On other transcripts: non-coding transcript variant (1).
Genome position (GRCh38, 1-based): chr3:47,120,955, A>C on the plus strand (T>G on the coding strand, the complement: SETD2 is on the minus strand). VCF-style: chr3-47120955-A-C. GRCh37 (hg19) VCF-style: chr3-47162445-A-C.
Other names: c.3549T>G, p.Asp1183Glu (NM_001349370.3); short protein forms D1183E, D1227E.
Identifiers: ClinVar variation 971957 (VCV000971957.7), dbSNP rs1340269021, ClinGen allele CA352521571.
Genomic context (GRCh38, chr3:47,120,955, plus strand): 5'-ATCCACATGTGGTATCTCACAAGAGGAAGAAAAACTCAATTCTGTTTTTCCCAGTCTACT[A>C]TCTGGCCTGTTTTGGAAAGTGGTCTGTTGCCAAGACTTATTTGGGACATCTTCAAAATCA-3'
Protein context (NP_054878.5, residues 1217-1237): WQQTTFQNRP[Asp1227Glu]SRLGKTELSF

ClinVar aggregate classification (germline): Uncertain significance (1 of 4 stars; one submission).

Conditions:
Luscan-Lumish syndrome. Identifiers: Orphanet 597738, MedGen C4085873, MONDO:0014791, OMIM 616831.

Allele frequency attached by ClinVar (database versions not stated): gnomAD 0.00001 and 0.00002; gnomAD exomes 0.00002; TOPMed 0.00002.
gnomAD v4.1: 14 of 1,614,110 alleles (0.00087%); highest among the groups gnomAD compares: Non-Finnish European, 0.00034%; no homozygotes.

Submission:

Labcorp Genetics (formerly Invitae), Labcorp
Classification: Uncertain significance for Luscan-Lumish syndrome. Last evaluated: 2019-10-15. Review status: criteria provided, single submitter. Criteria: Invitae Variant Classification Sherloc (09022015). Collection method: clinical testing. Allele origin: germline.
Comment: This sequence change replaces aspartic acid with glutamic acid at codon 1227 of the SETD2 protein (p.Asp1227Glu). The aspartic acid residue is moderately conserved and there is a small physicochemical difference between aspartic acid and glutamic acid. This variant is not present in population databases (ExAC no frequency). This variant has not been reported in the literature in individuals with SETD2-related conditions. Algorithms developed to predict the effect of missense changes on protein structure and function are either unavailable or do not agree on the potential impact of this missense change (SIFT: "Tolerated"; PolyPhen-2: "Probably Damaging"; Align-GVGD: "Class C0"). In summary, the available evidence is currently insufficient to determine the role of this variant in disease. Therefore, it has been classified as a Variant of Uncertain Significance.